The following is an entry in ClinVar:

NM_000292.3(PHKA2):c.3508_3510dup (p.Met1170_Ala1171insMet)

Genes: PHKA2-AS1 (PHKA2 antisense RNA 1; plus strand), PHKA2 (phosphorylase kinase regulatory subunit alpha 2; minus strand). Cytogenetic location: Xp22.13.
Variant type: Duplication.
Coding change: c.3508_3510dup on transcript NM_000292.3 (MANE Select); coding-DNA positions 3508 to 3510, 3 bases duplicated (ATG; older notation c.3508_3510dupATG).
Protein change: p.Met1170_Ala1171insMet.
Molecular consequence: inframe insertion. On other transcripts: non-coding transcript variant (1).
Genome position (GRCh38, 1-based): chrX:18,894,231-18,894,233, CAT duplicated on the plus strand (ATG on the coding strand, the reverse complement: PHKA2 is on the minus strand); duplicating any 3 consecutive bases within chrX:18,894,231-18,894,234 gives the same sequence; the c. name uses the placement nearest the transcript's 3' end. VCF-style (leftmost placement, unchanged base first): chrX-18894230-C-CCAT. GRCh37 (hg19) VCF-style: chrX-18912348-C-CCAT.
Identifiers: ClinVar variation 3251190 (VCV003251190.18), dbSNP rs2518516919.
Genomic context (GRCh38, chrX:18,894,230, plus strand): 5'-AATGCCAGCCAACCCAGCTCCCTGGCACCCCCACCTGGTCCTGCAAGAACAGCTGACTGG[C>CCAT]CATCTGCACGATCTGGTCCACGTGGATGATGCCCCCGATGCTGGTCATCTCCGTGTCCGA-3'

ClinVar aggregate classification (germline): Uncertain significance (1 of 4 stars; one submission).

Submission:

CeGaT Center for Human Genetics Tuebingen
Classification: Uncertain significance. Last evaluated: 2024-09-01. Review status: criteria provided, single submitter. Criteria: CeGaT Center For Human Genetics Tuebingen Variant Classification Criteria Version 2. Collection method: clinical testing. Allele origin: germline. Affected: yes. Observed: 2 variant alleles.
Comment: PHKA2: PM2, PM4:Supporting